The following is an entry in ClinVar:

ClinVar aggregate classification (germline): Benign/Likely benign. Review status: criteria provided, multiple submitters, no conflicts (2 of 4 stars). 3 submissions from 3 submitters: Benign (1); Likely benign (2). Last evaluated 2026-01-01.

Allele frequency attached by ClinVar (database versions not stated): gnomAD exomes 0.00201 and 0.00356; TOPMed 0.00219; ExAC 0.00221; gnomAD 0.00225 and 0.00235; ESP Exome Variant Server 0.00348.

Submissions (3):

Labcorp Genetics (formerly Invitae), Labcorp
Classification: Benign. Last evaluated: 2026-01-01. Review status: criteria provided, single submitter. Criteria: Invitae Variant Classification Sherloc (09022015). Collection method: clinical testing. Allele origin: germline.

CeGaT Center for Human Genetics Tuebingen
Classification: Likely benign. Last evaluated: 2025-12-01. Review status: criteria provided, single submitter. Criteria: CeGaT Center For Human Genetics Tuebingen Variant Classification Criteria Version 2. Collection method: clinical testing. Allele origin: germline. Affected: yes. Observed: 4 variant alleles.
Comment: DOCK6: BP4, BP7, BS2

Blueprint Genetics
Classification: Likely benign. Last evaluated: 2024-11-23. Review status: criteria provided, single submitter. Criteria: ACMG Guidelines, 2015. Collection method: clinical testing. Allele origin: germline.

NM_020812.4(DOCK6):c.3526T>C (p.Leu1176=)

Gene: DOCK6 (dedicator of cytokinesis 6; minus strand). Cytogenetic location: 19p13.2.
Variant type: single nucleotide variant.
Coding change: c.3526T>C on transcript NM_020812.4 (MANE Select); coding-DNA position 3526, T replaced by C.
Protein change: p.Leu1176=; no amino-acid change (leucine 1176 retained).
Molecular consequence: synonymous variant.
Genome position (GRCh38, 1-based): chr19:11,221,875, A>G on the plus strand (T>C on the coding strand, the complement: DOCK6 is on the minus strand). VCF-style: chr19-11221875-A-G. GRCh37 (hg19) VCF-style: chr19-11332551-A-G.
Other names: c.3631T>C, p.Leu1211= (NM_001367830.1).
Identifiers: ClinVar variation 713388 (VCV000713388.33), dbSNP rs200883815, ClinGen allele CA9207222.